The following is an entry in ClinVar:

NM_199420.4(POLQ):c.1802G>T (p.Ser601Ile)

Gene: POLQ (DNA polymerase theta; minus strand). Cytogenetic location: 3q13.33.
Variant type: single nucleotide variant.
Coding change: c.1802G>T on transcript NM_199420.4 (MANE Select); coding-DNA position 1802, G replaced by T.
Protein change: p.Ser601Ile; replaces serine 601 with isoleucine.
Molecular consequence: missense variant.
Genome position (GRCh38, 1-based): chr3:121,510,053, C>A on the plus strand (G>T on the coding strand, the complement: POLQ is on the minus strand). VCF-style: chr3-121510053-C-A. GRCh37 (hg19) VCF-style: chr3-121228900-C-A.
Other names: short protein forms S601I.
Identifiers: ClinVar variation 1780431 (VCV001780431.3), dbSNP rs758650458, ClinGen allele CA2563453.

ClinVar aggregate classification (germline): Uncertain significance (1 of 4 stars; one submission).

Allele frequency attached by ClinVar (database versions not stated): ExAC 0.00001; gnomAD 0.00001; TOPMed 0.00001.
gnomAD v4.1: 5 of 1,613,456 alleles (0.00031%); highest among the groups gnomAD compares: East Asian, 0.011%; no homozygotes.

Submission:

Ambry Genetics
Classification: Uncertain significance. Last evaluated: 2024-04-01. Review status: criteria provided, single submitter. Criteria: Ambry Variant Classification Scheme 2023. Collection method: clinical testing. Allele origin: germline.
Comment: The p.S601I variant (also known as c.1802G>T), located in coding exon 11 of the POLQ gene, results from a G to T substitution at nucleotide position 1802. The serine at codon 601 is replaced by isoleucine, an amino acid with dissimilar properties. This amino acid position is conserved. In addition, this alteration is predicted to be tolerated by in silico analysis. Since supporting evidence is limited at this time, the clinical significance of this alteration remains unclear.